The following is an entry in ClinVar:

NM_004656.4(BAP1):c.935G>T (p.Gly312Val)

Gene: BAP1 (BRCA1 associated deubiquitinase 1; minus strand). Cytogenetic location: 3p21.1.
Variant type: single nucleotide variant.
Coding change: c.935G>T on transcript NM_004656.4 (MANE Select); coding-DNA position 935, G replaced by T.
Protein change: p.Gly312Val; replaces glycine 312 with valine.
Molecular consequence: missense variant.
Genome position (GRCh38, 1-based): chr3:52,405,291, C>A on the plus strand (G>T on the coding strand, the complement: BAP1 is on the minus strand). VCF-style: chr3-52405291-C-A. GRCh37 (hg19) VCF-style: chr3-52439307-C-A.
Other names: short protein forms G312V.
Identifiers: ClinVar variation 943862 (VCV000943862.13), dbSNP rs1705114923, ClinGen allele CA353106368.
Genomic context (GRCh38, chr3:52,405,291, plus strand): 5'-GGTTTGTTGGGAGGGCTGTGGGATGGGGCTTGTGCGCATGAACCAGCCGCCTCCTCTGCA[C>A]CATCTGAGACAGGGCAAGAACACAGGCAGGACCTCCAGTAGGATCTCCAAGAAAAGCTCA-3'
Protein context (NP_004647.1, residues 302-322): PAASEGNHTD[Gly312Val]AEEAAGSCAQ

ClinVar aggregate classification (germline): Uncertain significance. Review status: criteria provided, multiple submitters, no conflicts (2 of 4 stars). 3 submissions from 3 submitters: Uncertain significance (3). Last evaluated 2026-04-15.

Conditions:
Hereditary cancer-predisposing syndrome. Also called: Hereditary Cancer Syndrome; Neoplastic Syndromes, Hereditary; Tumor predisposition; Hereditary neoplastic syndrome. Identifiers: Orphanet 140162, MedGen C0027672, MeSH D009386, MONDO:0015356.
BAP1-related tumor predisposition syndrome (TPDS1). Also called: BAP1 tumor predisposition syndrome; Tumor susceptibility linked to germline BAP1 mutations; COMMON Syndrome; TUMOR PREDISPOSITION SYNDROME 1. Identifiers: Orphanet 289539, MedGen C3280492, MONDO:0013692, OMIM 614327.

Submissions (3):

Ambry Genetics
Classification: Uncertain significance for Hereditary cancer-predisposing syndrome. Last evaluated: 2026-04-15. Review status: criteria provided, single submitter. Criteria: Ambry Variant Classification Scheme 2023. Collection method: clinical testing. Allele origin: germline.
Comment: The p.G312V variant (also known as c.935G>T), located in coding exon 11 of the BAP1 gene, results from a G to T substitution at nucleotide position 935. The glycine at codon 312 is replaced by valine, an amino acid with dissimilar properties. This amino acid position is well conserved in available vertebrate species. In addition, this alteration is predicted to be tolerated by in silico analysis. Based on the available evidence, the clinical significance of this variant remains unclear.

Labcorp Genetics (formerly Invitae), Labcorp
Classification: Uncertain significance for BAP1-related tumor predisposition syndrome. Last evaluated: 2025-10-13. Review status: criteria provided, single submitter. Criteria: Invitae Variant Classification Sherloc (09022015). Collection method: clinical testing. Allele origin: germline.
Comment: This sequence change replaces glycine, which is neutral and non-polar, with valine, which is neutral and non-polar, at codon 312 of the BAP1 protein (p.Gly312Val). This variant is not present in population databases (gnomAD no frequency). This variant has not been reported in the literature in individuals affected with BAP1-related conditions. ClinVar contains an entry for this variant (Variation ID: 943862). Invitae Evidence Modeling of protein sequence and biophysical properties (such as structural, functional, and spatial information, amino acid conservation, physicochemical variation, residue mobility, and thermodynamic stability) indicates that this missense variant is not expected to disrupt BAP1 protein function with a negative predictive value of 80%. In summary, the available evidence is currently insufficient to determine the role of this variant in disease. Therefore, it has been classified as a Variant of Uncertain Significance.

Color Diagnostics, LLC DBA Color Health
Classification: Uncertain significance for Hereditary cancer-predisposing syndrome. Last evaluated: 2022-12-05. Review status: criteria provided, single submitter. Criteria: ACMG Guidelines, 2015. Collection method: clinical testing. Allele origin: germline.
Comment: This missense variant replaces glycine with valine at codon 312 of the BAP1 protein. Computational prediction suggests that this variant may not impact protein structure and function (internally defined REVEL score threshold <= 0.5, PMID: 27666373). To our knowledge, functional studies have not been reported for this variant. This variant has not been reported in individuals affected with BAP1-related disorders in the literature. This variant has not been identified in the general population by the Genome Aggregation Database (gnomAD). The available evidence is insufficient to determine the role of this variant in disease conclusively. Therefore, this variant is classified as a Variant of Uncertain Significance.